The following is an entry in ClinVar:

NM_000222.3(KIT):c.841A>G (p.Arg281Gly)

Gene: KIT (KIT proto-oncogene, receptor tyrosine kinase; plus strand). Cytogenetic location: 4q12.
Variant type: single nucleotide variant.
Coding change: c.841A>G on transcript NM_000222.3 (MANE Select); coding-DNA position 841, A replaced by G.
Protein change: p.Arg281Gly; replaces arginine 281 with glycine.
Molecular consequence: missense variant.
Genome position (GRCh38, 1-based): chr4:54,703,808, A>G. VCF-style: chr4-54703808-A-G. GRCh37 (hg19) VCF-style: chr4-55569974-A-G.
Other names: c.841A>G, p.Arg281Gly (NM_001093772.2, NM_001385285.1, NM_001385286.1); c.844A>G, p.Arg282Gly (NM_001385284.1, NM_001385288.1, NM_001385290.1 and 1 more transcripts); short protein forms R281G, R282G.
Identifiers: ClinVar variation 2757414 (VCV002757414.3), dbSNP rs2475469466, ClinGen allele CA356899862.

ClinVar aggregate classification (germline): Uncertain significance (1 of 4 stars; one submission).

Conditions:
Gastrointestinal stromal tumor. Also called: Gastrointestinal stromal tumor, somatic; Gastrointestinal stroma tumor. Identifiers: Orphanet 44890, MedGen C0238198, MeSH D046152, MONDO:0011719, OMIM 606764, HP:0100723.

Submission:

Labcorp Genetics (formerly Invitae), Labcorp
Classification: Uncertain significance for Gastrointestinal stromal tumor. Last evaluated: 2024-10-15. Review status: criteria provided, single submitter. Criteria: Invitae Variant Classification Sherloc (09022015). Collection method: clinical testing. Allele origin: germline.
Comment: This sequence change replaces arginine, which is basic and polar, with glycine, which is neutral and non-polar, at codon 281 of the KIT protein (p.Arg281Gly). This variant is not present in population databases (gnomAD no frequency). This variant has not been reported in the literature in individuals affected with KIT-related conditions. An algorithm developed to predict the effect of missense changes on protein structure and function (PolyPhen-2) suggests that this variant is likely to be tolerated. In summary, the available evidence is currently insufficient to determine the role of this variant in disease. Therefore, it has been classified as a Variant of Uncertain Significance.